The following is an entry in ClinVar:

NM_014908.4(DOLK):c.771C>T (p.Ile257=)

Gene: DOLK (dolichol kinase; minus strand). Cytogenetic location: 9q34.11.
Variant type: single nucleotide variant.
Coding change: c.771C>T on transcript NM_014908.4 (MANE Select); coding-DNA position 771, C replaced by T.
Protein change: p.Ile257=; no amino-acid change (isoleucine 257 retained).
Molecular consequence: synonymous variant.
Genome position (GRCh38, 1-based): chr9:128,946,533, G>A on the plus strand (C>T on the coding strand, the complement: DOLK is on the minus strand). VCF-style: chr9-128946533-G-A. GRCh37 (hg19) VCF-style: chr9-131708812-G-A.
Identifiers: ClinVar variation 390952 (VCV000390952.26), dbSNP rs147416890, ClinGen allele CA5271692.

ClinVar aggregate classification (germline): Conflicting classifications of pathogenicity. Review status: criteria provided, conflicting classifications (1 of 4 stars). 8 submissions from 8 submitters: Uncertain significance (1); Benign (2); Likely benign (5). Last evaluated 2026-09-21.

Conditions:
DK1-congenital disorder of glycosylation. Also called: CONGENITAL DISORDER OF GLYCOSYLATION, TYPE Im; CDG Im; DK1 DEFICIENCY; DOLICHOL KINASE DEFICIENCY; DK1-CDG; DOLK-congenital disorder of glycosylation. Identifiers: Orphanet 91131, MedGen C1835849, MONDO:0012556, OMIM 610768.
Cardiovascular phenotype. Identifiers: MedGen CN230736.
DOLK-related disorder. Also called: DOLK-related condition.

Allele frequency attached by ClinVar (database versions not stated): gnomAD 0.00205; 1000 Genomes Project 30x 0.00125; 1000 Genomes Project 0.00080; TOPMed 0.00200; ESP Exome Variant Server 0.00231.

Submissions (8):

Molecular Diagnostic Laboratory for Inherited Cardiovascular Disease, Montreal Heart Institute
Classification: Likely benign. Last evaluated: 2026-09-21. Review status: criteria provided, single submitter. Criteria: ACMG Guidelines, 2015. Collection method: clinical testing. Allele origin: germline. Affected: no.
Comment: BS1;BP7

Labcorp Genetics (formerly Invitae), Labcorp
Classification: Benign for DK1-congenital disorder of glycosylation. Last evaluated: 2026-02-02. Review status: criteria provided, single submitter. Criteria: Invitae Variant Classification Sherloc (09022015). Collection method: clinical testing. Allele origin: germline.

PreventionGenetics, part of Exact Sciences
Classification: Likely benign for DOLK-related condition. Last evaluated: 2025-02-28. Review status: criteria provided, single submitter. Criteria: ACMG Guidelines, 2015. Collection method: clinical testing. Allele origin: germline.
Comment: This variant is classified as likely benign based on ACMG/AMP sequence variant interpretation guidelines (Richards et al. 2015 PMID: 25741868, with internal and published modifications).

Blueprint Genetics
Classification: Likely benign. Last evaluated: 2024-11-26. Review status: criteria provided, single submitter. Criteria: ACMG Guidelines, 2015. Collection method: clinical testing. Allele origin: germline.

GeneDx
Classification: Likely benign. Last evaluated: 2020-05-18. Review status: criteria provided, single submitter. Criteria: GeneDx Variant Classification Process June 2021. Collection method: clinical testing. Allele origin: germline. Affected: yes.

Ambry Genetics
Classification: Likely benign for Cardiovascular phenotype. Last evaluated: 2019-03-01. Review status: criteria provided, single submitter. Criteria: Ambry Variant Classification Scheme 2023. Collection method: clinical testing. Allele origin: germline.

Illumina Laboratory Services, Illumina
Classification: Uncertain significance for DK1-congenital disorder of glycosylation. Last evaluated: 2018-01-13. Review status: criteria provided, single submitter. Criteria: ICSL Variant Classification Criteria 13 December 2019. Collection method: clinical testing. Allele origin: germline.

Laboratory for Molecular Medicine, Mass General Brigham Personalized Medicine
Classification: Benign. Last evaluated: 2014-11-24. Review status: criteria provided, single submitter. Criteria: LMM Criteria. Collection method: clinical testing. Allele origin: germline. Observed: 1 variant allele.
Comment: Ile257Ile in exon 1 of DOLK: This variant is not expected to have clinical signi ficance because it does not alter an amino acid residue and is not located withi n the splice consensus sequence. It has been identified in 0.6% (28/4406) of Afr ican American chromosomes from a broad population by the NHLBI Exome Sequencing Project (dbSNP rs147416890).